The following is an entry in ClinVar:

ClinVar aggregate classification (germline): Uncertain significance (1 of 4 stars; one submission).

Allele frequency attached by ClinVar (database versions not stated): TOPMed 0.00002; gnomAD 0.00003.
gnomAD v4.1: 4 of 1,607,132 alleles (0.00025%); highest among the groups gnomAD compares: Admixed American, 0.0052%; no homozygotes.

Submission:

GeneDx
Classification: Uncertain significance. Last evaluated: 2016-03-29. Review status: criteria provided, single submitter. Criteria: GeneDx Variant Classification (06012015). Collection method: clinical testing. Allele origin: germline. Affected: yes.
Comment: The T191P variant in the MRPL3 gene has not been reported previously as a pathogenic variant, nor as a benign variant, to our knowledge. The T191P variant was not observed in approximately 6500 individuals of European and African American ancestry in the NHLBI Exome Sequencing Project, indicating it is not a common benign variant in these populations. The T191P variant is a non-conservative amino acid substitution, which is likely to impact secondary protein structure as these residues differ in polarity, charge, size and/or other properties. This substitution occurs at a position that is conserved across species and in silico analysis predicts this variant is probably damaging to the protein structure/function. Based on review of the data in the context of the 2015 ACMG Standards and Guidelines for the Interpretation of Sequence Variants (Richards et al., 2015), the T191P variant in the MRPL3 gene is now interpreted as a variant of uncertain significance

NM_007208.4(MRPL3):c.571A>C (p.Thr191Pro)

Gene: MRPL3 (mitochondrial ribosomal protein L3; minus strand). Cytogenetic location: 3q22.1.
Variant type: single nucleotide variant.
Coding change: c.571A>C on transcript NM_007208.4 (MANE Select); coding-DNA position 571, A replaced by C.
Protein change: p.Thr191Pro; replaces threonine 191 with proline.
Molecular consequence: missense variant.
Genome position (GRCh38, 1-based): chr3:131,487,738, T>G on the plus strand (A>C on the coding strand, the complement: MRPL3 is on the minus strand). VCF-style: chr3-131487738-T-G. GRCh37 (hg19) VCF-style: chr3-131206582-T-G.
Other names: short protein forms T191P.
Identifiers: ClinVar variation 418312 (VCV000418312.2), dbSNP rs1064793180, ClinGen allele CA16617828.